The following is an entry in ClinVar:

ClinVar aggregate classification (germline): Uncertain significance (1 of 4 stars; one submission).

Conditions:
PALB2-related cancer predisposition. Identifiers: MedGen CN377761, MONDO:0700272.

gnomAD v4.1: 1 of 1,614,200 alleles (0.000062%); highest among the groups gnomAD compares: Non-Finnish European, 0.000085%; no homozygotes.

Submission:

Dasa
Classification: Uncertain significance for PALB2-related cancer predisposition. Last evaluated: 2026-01-05. Review status: criteria provided, single submitter. Criteria: DASA Assertion Criteria. Collection method: clinical testing. Allele origin: germline.
Comment: NM_024675.4(PALB2):c.2748+7G>A is a splice-region variant. This variant is rare in population databases. Computational prediction algorithms are consistent with a benign effect. The currently available literature and clinical evidence are not sufficient to establish a definitive association between this variant and the reported condition. Therefore, this variant is classified as a variant of uncertain significance.

NM_024675.4(PALB2):c.2748+7G>A

Gene: PALB2 (partner and localizer of BRCA2; minus strand). Cytogenetic location: 16p12.2.
Variant type: single nucleotide variant.
Coding change: c.2748+7G>A on transcript NM_024675.4 (MANE Select); 7 bases into the intron after coding-DNA position 2748, G replaced by A.
Molecular consequence: intron variant.
Genome position (GRCh38, 1-based): chr16:23,626,229, C>T on the plus strand (G>A on the coding strand, the complement: PALB2 is on the minus strand). VCF-style: chr16-23626229-C-T. GRCh37 (hg19) VCF-style: chr16-23637550-C-T.
Other names: c.1863+7G>A (NM_001407308.1, NM_001407306.1, NM_001407309.1 and 4 more transcripts); c.282+7G>A (NM_001407314.1); c.960+7G>A (NM_001407313.1, NM_001407312.1); c.2688+7G>A (NM_001407296.1); c.2676+7G>A (NM_001407297.1); c.2587-2135G>A (NM_001407302.1, NM_001407298.1); c.2748+7G>A (NM_001407300.1, NM_001407299.1, NM_001407301.1); c.1702-2135G>A (NM_001407307.1).
Identifiers: ClinVar variation 4883238 (VCV004883238.2).